The following is an entry in ClinVar:

NM_014244.5(ADAMTS2):c.1993G>A (p.Gly665Arg)

Gene: ADAMTS2 (ADAM metallopeptidase with thrombospondin type 1 motif 2; minus strand). Cytogenetic location: 5q35.3.
Variant type: single nucleotide variant.
Coding change: c.1993G>A on transcript NM_014244.5 (MANE Select); coding-DNA position 1993, G replaced by A.
Protein change: p.Gly665Arg; replaces glycine 665 with arginine.
Molecular consequence: missense variant.
Genome position (GRCh38, 1-based): chr5:179,136,001, C>T on the plus strand (G>A on the coding strand, the complement: ADAMTS2 is on the minus strand). VCF-style: chr5-179136001-C-T. GRCh37 (hg19) VCF-style: chr5-178563002-C-T.
Other names: p.Gly665Arg; short protein forms G665R.
Identifiers: ClinVar variation 384810 (VCV000384810.60), dbSNP rs35372714, ClinGen allele CA3595718.

ClinVar aggregate classification (germline): Benign/Likely benign. Review status: criteria provided, multiple submitters, no conflicts (2 of 4 stars). 11 submissions from 11 submitters: Benign (7); Likely benign (3). 1 of the submissions does not count toward it. Last evaluated 2026-02-04.

Conditions:
Ehlers-Danlos syndrome, dermatosparaxis type. Also called: Dermatosparaxis; Ehlers-Danlos syndrome, type VII, autosomal recessive; EDS VIIC. Identifiers: Orphanet 1901, MedGen C2700425, MONDO:0009161, OMIM 225410.
Ehlers-Danlos syndrome (EDS). Identifiers: Orphanet 98249, MedGen C0013720, MONDO:0020066.

Allele frequency attached by ClinVar (database versions not stated): 1000 Genomes Project 30x 0.00375; 1000 Genomes Project 0.00399; TOPMed 0.00776; gnomAD exomes 0.00779 and 0.01361; ExAC 0.00785; gnomAD 0.00876 and 0.00904; ESP Exome Variant Server 0.01030.
gnomAD v4.1: 21,074 of 1,613,422 alleles (1.3%); highest among the groups gnomAD compares: Non-Finnish European, 1.6%; 187 homozygotes.

Submissions (11):

Labcorp Genetics (formerly Invitae), Labcorp
Classification: Benign for Ehlers-Danlos syndrome, dermatosparaxis type. Last evaluated: 2026-02-04. Review status: criteria provided, single submitter. Criteria: Invitae Variant Classification Sherloc (09022015). Collection method: clinical testing. Allele origin: germline.

Blueprint Genetics
Classification: Likely benign. Last evaluated: 2024-11-25. Review status: criteria provided, single submitter. Criteria: ACMG Guidelines, 2015. Collection method: clinical testing. Allele origin: germline.

CeGaT Center for Human Genetics Tuebingen
Classification: Benign. Last evaluated: 2024-07-01. Review status: criteria provided, single submitter. Criteria: CeGaT Center For Human Genetics Tuebingen Variant Classification Criteria Version 2. Collection method: clinical testing. Allele origin: germline. Affected: yes. Observed: 15 variant alleles.
Comment: ADAMTS2: BS1, BS2

Mayo Clinic Laboratories, Mayo Clinic
Classification: Benign. Last evaluated: 2023-08-24. Review status: criteria provided, single submitter. Criteria: ACMG Guidelines, 2015. Collection method: clinical testing. Allele origin: germline. Observed: 120 variant alleles.
Comment: BS1, BS2, BP4

Genome Diagnostics Laboratory, The Hospital for Sick Children
Classification: Benign for Ehlers-Danlos syndrome. Last evaluated: 2022-04-28. Review status: criteria provided, single submitter. Criteria: ACMG Guidelines, 2015. Collection method: clinical testing. Allele origin: germline.

Women's Health and Genetics/Laboratory Corporation of America, LabCorp
Classification: Benign. Last evaluated: 2021-01-11. Review status: criteria provided, single submitter. Criteria: LabCorp Variant Classification Summary - May 2015. Collection method: clinical testing. Allele origin: germline.
Comment: Variant summary: ADAMTS2 c.1993G>A (p.Gly665Arg) results in a non-conservative amino acid change in the encoded protein sequence. Three of five in-silico tools predict a benign effect of the variant on protein function. The variant allele was found at a frequency of 0.0078 in 251246 control chromosomes in the gnomAD database, including 21 homozygotes. The observed variant frequency is approximately 3 fold of the estimated maximal expected allele frequency for a pathogenic variant in ADAMTS2 causing Ehlers-Danlos Syndrome, Type VIIC (Dermatosparaxis) phenotype (0.0029), strongly suggesting that the variant is benign. To our knowledge, no occurrence of c.1993G>A in individuals affected with Ehlers-Danlos Syndrome, Type VIIC (Dermatosparaxis) and no experimental evidence demonstrating its impact on protein function have been reported. Four clinical diagnostic laboratories have submitted clinical-significance assessments for this variant to ClinVar after 2014 without evidence for independent evaluation. All laboratories classified the variant as benign/likely benign. Based on the evidence outlined above, the variant was classified as benign.

GeneDx
Classification: Benign. Last evaluated: 2018-04-26. Review status: criteria provided, single submitter. Criteria: GeneDx Variant Classification Process June 2021. Collection method: clinical testing. Allele origin: germline. Affected: yes.
Comment: This variant is associated with the following publications: (PMID: 27377421)

Illumina Laboratory Services, Illumina
Classification: Benign for Ehlers-Danlos syndrome, dermatosparaxis type. Last evaluated: 2018-01-13. Review status: criteria provided, single submitter. Criteria: ICSL Variant Classification Criteria 13 December 2019. Collection method: clinical testing. Allele origin: germline.
Comment: This variant was observed in the ICSL laboratory as part of a predisposition screen in an ostensibly healthy population. It had not been previously curated by ICSL or reported in the Human Gene Mutation Database (HGMD: prior to June 1st, 2018), and was therefore a candidate for classification through an automated scoring system. Utilizing variant allele frequency, disease prevalence and penetrance estimates, and inheritance mode, an automated score was calculated to assess if this variant is too frequent to cause the disease. Based on the score and internal cut-off values, a variant classified as benign is not then subjected to further curation. The score for this variant resulted in a classification of benign for this disease.

Center for Pediatric Genomic Medicine, Children's Mercy Hospital and Clinics
Classification: Likely benign. Last evaluated: 2017-05-30. Review status: criteria provided, single submitter. Criteria: ACMG Guidelines, 2015. Collection method: clinical testing. Allele origin: germline.

Breakthrough Genomics
Classification: Likely benign. Review status: criteria provided, single submitter. Criteria: ACMG Guidelines, 2015. Collection method: not provided. Allele origin: germline. Inheritance: Autosomal recessive inheritance. Affected: yes.

Natera, Inc.
Classification: Benign for Ehlers-Danlos syndrome type VIIC. Last evaluated: 2019-12-09. Review status: no assertion criteria provided. Collection method: clinical testing. Allele origin: germline. Not counted in ClinVar's aggregate classification.